The following is an entry in ClinVar:

ClinVar aggregate classification (germline): Pathogenic/Likely pathogenic. Review status: criteria provided, multiple submitters, no conflicts (2 of 4 stars). 2 submissions from 2 submitters: Pathogenic (1); Likely pathogenic (1). Last evaluated 2025-10-13.

Conditions:
Peutz-Jeghers syndrome (PJS). Also called: POLYPOSIS, HAMARTOMATOUS INTESTINAL; POLYPS-AND-SPOTS SYNDROME; Peutz-Jeghers polyposis; Periorificial lentiginosis syndrome. Identifiers: Orphanet 2869, MedGen C0031269, MeSH D010580, MONDO:0008280, OMIM 175200.

Submissions (2):

Myriad Genetics, Inc.
Classification: Likely pathogenic for Peutz-Jeghers syndrome. Last evaluated: 2025-10-13. Review status: criteria provided, single submitter. Criteria: Myriad Autosomal Dominant, Autosomal Recessive and X-Linked Classification Criteria (2023). Collection method: clinical testing. Allele origin: unknown.
Comment: This variant is considered likely pathogenic. This variant has been reported in multiple individuals with clinical features of gene-specific disease [PMID: 10874301, 24652667, 37377590, 16707622]. Functional studies indicate this variant impacts protein function [PMID: 15561763, 34849607]. This variant is expected to disrupt protein structure [Myriad internal data].

Labcorp Genetics (formerly Invitae), Labcorp
Classification: Pathogenic for Peutz-Jeghers syndrome. Last evaluated: 2025-07-29. Review status: criteria provided, single submitter. Criteria: Invitae Variant Classification Sherloc (09022015). Collection method: clinical testing. Allele origin: germline.
Comment: This sequence change replaces arginine, which is basic and polar, with serine, which is neutral and polar, at codon 297 of the STK11 protein (p.Arg297Ser). This variant is not present in population databases (gnomAD no frequency). This missense change has been observed in individual(s) with Peutz-Jeghers syndrome (PMID: 10874301). It has also been observed to segregate with disease in related individuals. Invitae Evidence Modeling of clinical and family history, age, sex, and reported ancestry of multiple individuals with this STK11 variant has been performed. This variant is expected to be pathogenic with a positive predictive value of at least 99%. This is a validated machine learning model that incorporates the clinical features of 656,629 individuals referred to our laboratory for STK11 testing. This variant is also known as 891C>T, A297S. ClinVar contains an entry for this variant (Variation ID: 182912). Invitae Evidence Modeling of protein sequence and biophysical properties (such as structural, functional, and spatial information, amino acid conservation, physicochemical variation, residue mobility, and thermodynamic stability) has been performed for this missense variant. However, the output from this modeling did not meet the statistical confidence thresholds required to predict the impact of this variant on STK11 protein function. This variant disrupts the p.Arg297 amino acid residue in STK11. Other variant(s) that disrupt this residue have been determined to be pathogenic (PMID: 10408777, 16287113, 22543132, 24652667, 26607058, 28185117). This suggests that this residue is clinically significant, and that variants that disrupt this residue are likely to be disease-causing. For these reasons, this variant has been classified as Pathogenic.

Literature cited by the submitters: PubMed 10874301 (cited by Myriad Genetics, Inc. and Labcorp Genetics (formerly Invitae), Labcorp); PubMed 24652667 (cited by Myriad Genetics, Inc. and Labcorp Genetics (formerly Invitae), Labcorp); PubMed 37377590 (cited by Myriad Genetics, Inc.); PubMed 16707622 (cited by Myriad Genetics, Inc.); PubMed 15561763 (cited by Myriad Genetics, Inc.); PubMed 34849607 (cited by Myriad Genetics, Inc.); PubMed 10408777 (cited by Labcorp Genetics (formerly Invitae), Labcorp); PubMed 16287113 (cited by Labcorp Genetics (formerly Invitae), Labcorp); PubMed 22543132 (cited by Labcorp Genetics (formerly Invitae), Labcorp); PubMed 26607058 (cited by Labcorp Genetics (formerly Invitae), Labcorp); PubMed 28185117 (cited by Labcorp Genetics (formerly Invitae), Labcorp).

NM_000455.5(STK11):c.891G>T (p.Arg297Ser)

Gene: STK11 (serine/threonine kinase 11; plus strand). Cytogenetic location: 19p13.3.
Variant type: single nucleotide variant.
Coding change: c.891G>T on transcript NM_000455.5 (MANE Select); coding-DNA position 891, G replaced by T.
Protein change: p.Arg297Ser; replaces arginine 297 with serine.
Molecular consequence: missense variant.
Genome position (GRCh38, 1-based): chr19:1,221,977, G>T. VCF-style: chr19-1221977-G-T. GRCh37 (hg19) VCF-style: chr19-1221976-G-T.
Other names: short protein forms R297S.
Identifiers: ClinVar variation 182912 (VCV000182912.10), dbSNP rs730881984, ClinGen allele CA023329.